The following is an entry in ClinVar:

NM_139076.3(ABRAXAS1):c.1097A>G (p.Gln366Arg)

Gene: ABRAXAS1 (abraxas 1, BRCA1 A complex subunit; minus strand). Cytogenetic location: 4q21.23.
Variant type: single nucleotide variant.
Coding change: c.1097A>G on transcript NM_139076.3 (MANE Select); coding-DNA position 1097, A replaced by G.
Protein change: p.Gln366Arg; replaces glutamine 366 with arginine.
Molecular consequence: missense variant.
Genome position (GRCh38, 1-based): chr4:83,462,602, T>C on the plus strand (A>G on the coding strand, the complement: ABRAXAS1 is on the minus strand). VCF-style: chr4-83462602-T-C. GRCh37 (hg19) VCF-style: chr4-84383755-T-C.
Other names: c.770A>G, p.Gln257Arg (NM_001345962.2); short protein forms Q257R, Q366R.
Identifiers: ClinVar variation 1035921 (VCV001035921.12), dbSNP rs1269730495, ClinGen allele CA357255143.

ClinVar aggregate classification (germline): Uncertain significance. Review status: criteria provided, multiple submitters, no conflicts (2 of 4 stars). 2 submissions from 2 submitters: Uncertain significance (2). Last evaluated 2024-06-27.

Allele frequency attached by ClinVar (database versions not stated): gnomAD exomes below 0.00001; TOPMed 0.00001.
gnomAD v4.1: 2 of 1,614,170 alleles (0.00012%); highest among the groups gnomAD compares: Admixed American, 0.0017%; no homozygotes.

Submissions (2):

Ambry Genetics
Classification: Uncertain significance. Last evaluated: 2024-06-27. Review status: criteria provided, single submitter. Criteria: Ambry Variant Classification Scheme 2023. Collection method: clinical testing. Allele origin: germline.
Comment: The p.Q366R variant (also known as c.1097A>G), located in coding exon 9 of the FAM175A gene, results from an A to G substitution at nucleotide position 1097. The glutamine at codon 366 is replaced by arginine, an amino acid with highly similar properties. This amino acid position is conserved. In addition, this alteration is predicted to be tolerated by in silico analysis. Since supporting evidence is limited at this time, the clinical significance of this alteration remains unclear.

Labcorp Genetics (formerly Invitae), Labcorp
Classification: Uncertain significance. Last evaluated: 2018-06-29. Review status: criteria provided, single submitter. Criteria: Invitae Variant Classification Sherloc (09022015). Collection method: clinical testing. Allele origin: germline.
Comment: This sequence change replaces glutamine with arginine at codon 366 of the FAM175A protein (p.Gln366Arg). The glutamine residue is moderately conserved and there is a small physicochemical difference between glutamine and arginine. This variant is not present in population databases (ExAC no frequency). In summary, the available evidence is currently insufficient to determine the role of this variant in disease. Therefore, it has been classified as a Variant of Uncertain Significance. Algorithms developed to predict the effect of missense changes on protein structure and function output the following: SIFT: "Deleterious"; PolyPhen-2: "Benign"; Align-GVGD: "Class C0". The arginine amino acid residue is found in multiple mammalian species, suggesting that this missense change does not adversely affect protein function. These predictions have not been confirmed by published functional studies and their clinical significance is uncertain. This variant has not been reported in the literature in individuals with FAM175A-related disease.